The following is an entry in ClinVar:

ClinVar aggregate classification (germline): Pathogenic/Likely pathogenic. Review status: criteria provided, multiple submitters, no conflicts (2 of 4 stars). 17 submissions from 17 submitters: Pathogenic (12); Likely pathogenic (5). Last evaluated 2025-04-13.
ClinVar aggregate classification (somatic clinical impact): Tier I - Strong (1 of 4 stars; one submission).

Conditions:
NF1-related disorder. Also called: NF1-related condition. Identifiers: MedGen CN379171.
Hereditary cancer-predisposing syndrome. Also called: Neoplastic Syndromes, Hereditary; Hereditary Cancer Syndrome; Tumor predisposition; Hereditary neoplastic syndrome. Identifiers: Orphanet 140162, MedGen C0027672, MeSH D009386, MONDO:0015356.
Cardiovascular phenotype. Identifiers: MedGen CN230736.
Neurofibromatosis, familial spinal (FSNF). Identifiers: Orphanet 636, MedGen C1834235, MONDO:0008078, OMIM 162210. Disease mechanism: loss of function.
Neurofibromatosis, type 1 (NF1). Also called: VON RECKLINGHAUSEN DISEASE; NEUROFIBROMATOSIS, TYPE I, SOMATIC; Peripheral type neurofibromatosis; Neurofibromatosis, type I. Identifiers: Orphanet 636, MedGen C0027831, MONDO:0018975, OMIM 162200. Disease mechanism: loss of function.
Neurofibromatosis-Noonan syndrome (NFNS). Also called: NEUROFIBROMATOSIS WITH NOONAN PHENOTYPE. Identifiers: Orphanet 638, MedGen C2931482, MONDO:0011035, OMIM 601321. Disease mechanism: loss of function.
Café-au-lait macules with pulmonary stenosis (WTSN). Also called: PULMONIC STENOSIS WITH CAFE-AU-LAIT SPOTS. Identifiers: MedGen C0553586, MONDO:0008672, OMIM 193520.
Juvenile myelomonocytic leukemia (JMML). Also called: LEUKEMIA, JUVENILE MYELOMONOCYTIC, SOMATIC. Identifiers: Orphanet 86834, MedGen C0349639, MONDO:0011908, OMIM 607785, HP:0012209.
Diffuse midline glioma, H3 K27M-mutant. Identifiers: MedGen C4289688, MONDO:0957196.

Allele frequency attached by ClinVar (database versions not stated): gnomAD exomes below 0.00001.

Submissions 1 to 10 of 18:

Labcorp Genetics (formerly Invitae), Labcorp
Classification: Pathogenic for Neurofibromatosis, type 1. Last evaluated: 2025-04-13. Review status: criteria provided, single submitter. Criteria: Invitae Variant Classification Sherloc (09022015). Collection method: clinical testing. Allele origin: germline.
Comment: This sequence change replaces methionine, which is neutral and non-polar, with valine, which is neutral and non-polar, at codon 1149 of the NF1 protein (p.Met1149Val). This variant is present in population databases (no rsID available, gnomAD 0.004%). This missense change has been observed in individuals with clinical features of neurofibromatosis type 1 (PMID: 23656349, 24711935, 28706617, 31595648; internal data). ClinVar contains an entry for this variant (Variation ID: 527517). Invitae Evidence Modeling of protein sequence and biophysical properties (such as structural, functional, and spatial information, amino acid conservation, physicochemical variation, residue mobility, and thermodynamic stability) indicates that this missense variant is expected to disrupt NF1 protein function with a positive predictive value of 95%. This variant disrupts the p.Met1149 amino acid residue in NF1. Other variant(s) that disrupt this residue have been determined to be pathogenic (PMID: 16944272, 27322474; internal data). This suggests that this residue is clinically significant, and that variants that disrupt this residue are likely to be disease-causing. For these reasons, this variant has been classified as Pathogenic.

NHS Central & South Genomic Laboratory Hub
Classification: Pathogenic for Neurofibromatosis type 1. Last evaluated: 2025-04-09. Review status: criteria provided, single submitter. Criteria: ACMG Guidelines, 2015. Collection method: clinical testing. Allele origin: germline. Affected: yes.

Quest Diagnostics Nichols Institute San Juan Capistrano
Classification: Pathogenic. Last evaluated: 2025-04-08. Review status: criteria provided, single submitter. Criteria: Quest Diagnostics criteria. Collection method: clinical testing. Allele origin: unknown.
Comment: The NF1 c.3445A>G (p.Met1149Val) variant has been reported in the published literature in individuals with neurofibromatosis 1 (NF1) (PMID: 24711935 (2014), 28706617 (2017), 31595648 (2020), 31776437 (2020)) or suspected of NF1 (PMID: 31370276 (2019), 38226287 (2024)). This variant has been reported to have a deleterious effect on NF1 protein function (PMID: 34694046 (2022)). In addition, this variant appears to occur de novo in one individual with clinical features associated with this gene (PMID: 31618753 (2020)). The frequency of this variant in the general population (Genome Aggregation Database) is consistent with pathogenicity. Analysis of this variant using bioinformatics tools for the prediction of the effect of amino acid changes on protein structure and function yielded predictions that this variant is damaging. Based on the available information, this variant is classified as pathogenic.

Institute for Genomic Medicine (IGM) Clinical Laboratory, Nationwide Children's Hospital
Classification: Tier I - Strong for Diffuse midline glioma, H3 K27M-mutant. Assertion type: diagnostic. Clinical significance: supports diagnosis. Last evaluated: 2025-01-27. Review status: criteria provided, single submitter. Criteria: AMP/ASCO/CAP Guidelines, 2017. Collection method: clinical testing. Allele origin: somatic. Affected: yes.
Comment: Variant has Tier I (strong) clinical significance as a diagnostic inclusion criterion in diffuse midline glioma, H3 K27M-mutant, based on the following evidence: 1) Documented in one or more cancer databases (e.g., St. Jude Pecan, COSMIC, CIViC, OncoKB). 2) Diagnostic for a specific tumor type/classification based on well-powered studies with expert-level consensus (Evidence Level B; PMIDs: 24705251, 28966033, 33433639, 34796414, 32862234, 34759345, 32582540, 35456430).

CeGaT Center for Human Genetics Tuebingen
Classification: Likely pathogenic. Last evaluated: 2024-10-01. Review status: criteria provided, single submitter. Criteria: CeGaT Center For Human Genetics Tuebingen Variant Classification Criteria Version 2. Collection method: clinical testing. Allele origin: germline. Affected: yes. Observed: 1 variant allele.
Comment: NF1: PM2, PM5, PS4:Moderate

Ambry Genetics
Classification: Pathogenic for Cardiovascular phenotype; Hereditary cancer-predisposing syndrome. Last evaluated: 2024-07-03. Review status: criteria provided, single submitter. Criteria: Ambry Variant Classification Scheme 2023. Collection method: clinical testing. Allele origin: germline.
Comment: The p.M1149V pathogenic mutation (also known as c.3445A>G), located in coding exon 26 of the NF1 gene, results from an A to G substitution at nucleotide position 3445. The methionine at codon 1149 is replaced by valine, an amino acid with highly similar properties. This alteration has been reported in individuals with a confirmed or suspected clinical diagnosis of neurofibromatosis type 1, including in an individual in which it was identified as de novo (Domingues S et al. Case Rep Genet, 2014 Mar;2014:423071; Gengel N et al. Pediatr Rep, 2017 Jun;9:6810; Kang E et al. J Hum Genet, 2020 Jan;65:79-89; Srivastava P et al. Heliyon, 2024 Jan;10:e23685; Ambry internal data). Based on the supporting evidence, this variant is interpreted as a disease-causing mutation.

Blueprint Genetics
Classification: Pathogenic for NF1-related disorders. Last evaluated: 2024-02-28. Review status: criteria provided, single submitter. Criteria: ACMG Guidelines, 2015. Collection method: clinical testing. Allele origin: germline. Affected: yes. Observed: 3 variant alleles.

Fulgent Genetics
Classification: Likely pathogenic for Neurofibromatosis, type 1; Neurofibromatosis, familial spinal; Café-au-lait macules with pulmonary stenosis; Neurofibromatosis-Noonan syndrome; Juvenile myelomonocytic leukemia. Last evaluated: 2024-02-14. Review status: criteria provided, single submitter. Criteria: ACMG Guidelines, 2015. Collection method: clinical testing. Allele origin: germline.

GeneDx
Classification: Pathogenic. Last evaluated: 2023-03-30. Review status: criteria provided, single submitter. Criteria: GeneDx Variant Classification Process June 2021. Collection method: clinical testing. Allele origin: germline. Affected: yes.
Comment: In silico analysis supports that this missense variant has a deleterious effect on protein structure/function; Published functional studies demonstrate a damaging effect: impaired ability to inhibit GTP-Ras activity (Long et al., 2022); This variant is associated with the following publications: (PMID: 23656349, 26681766, 28706617, 24711935, 29617658, 29095814, 31618753, 31370276, 25486365, 2121369, 22807134, 27322474, 29290338, 16944272, 31776437, 31595648, 33884301, 34694046)

PreventionGenetics, part of Exact Sciences
Classification: Pathogenic for NF1-related condition. Last evaluated: 2023-03-07. Review status: criteria provided, single submitter. Criteria: ACMG Guidelines, 2015. Collection method: clinical testing. Allele origin: germline.
Comment: The NF1 c.3445A>G variant is predicted to result in the amino acid substitution p.Met1149Val. This missense variant has been documented in several individuals with neurofibromatosis type 1 (Domingues et al. 2014. PubMed ID: 24711935; Gengel et al. 2017. PubMed ID: 28706617; Koczkowska et al. 2020. PubMed ID: 31595648). In addition, alternative missense changes at the same codon (p.Met1149Thr, p.Met1149Ile) have been documented to be pathogenic individuals with neurofibromatosis type 1 (Koczkowska et al. 2020. PubMed ID: 31595648; Evans et al. 2016. PubMed ID: 27322474; Griffiths et al. 2007. PubMed ID: 16944272) and are interpreted as pathogenic/likely pathogenic in ClinVar. This variant is reported in 0.0046% of alleles in individuals of European (Finnish) descent in gnomAD. This variant is interpreted as pathogenic.

NM_001042492.3(NF1):c.3445A>G (p.Met1149Val)

Gene: NF1 (neurofibromin 1; plus strand). Cytogenetic location: 17q11.2.
Variant type: single nucleotide variant.
Coding change: c.3445A>G on transcript NM_001042492.3 (MANE Select); coding-DNA position 3445, A replaced by G.
Protein change: p.Met1149Val; replaces methionine 1149 with valine.
Molecular consequence: missense variant.
Genome position (GRCh38, 1-based): chr17:31,232,830, A>G. VCF-style: chr17-31232830-A-G. GRCh37 (hg19) VCF-style: chr17-29559848-A-G.
Other names: c.3445A>G (NM_001042492.1); c.3445A>G, p.Met1149Val (NM_000267.4); short protein forms M1149V.
Identifiers: ClinVar variation 527517 (VCV000527517.49), dbSNP rs1187097568, ClinGen allele CA398989297.